The following is an entry in ClinVar:

ClinVar aggregate classification (germline): Uncertain significance (1 of 4 stars; one submission).

Allele frequency attached by ClinVar (database versions not stated): gnomAD exomes 0.00004 and 0.00011; ExAC 0.00005; TOPMed 0.00005; gnomAD 0.00006; ESP Exome Variant Server 0.00008.
gnomAD v4.1: 172 of 1,614,022 alleles (0.011%); highest among the groups gnomAD compares: Non-Finnish European, 0.013%; no homozygotes.

Submission:

Labcorp Genetics (formerly Invitae), Labcorp
Classification: Uncertain significance. Last evaluated: 2023-11-27. Review status: criteria provided, single submitter. Criteria: Invitae Variant Classification Sherloc (09022015). Collection method: clinical testing. Allele origin: germline.
Comment: This sequence change replaces glycine, which is neutral and non-polar, with serine, which is neutral and polar, at codon 414 of the MYO5B protein (p.Gly414Ser). This variant is present in population databases (rs200773306, gnomAD 0.009%). This variant has not been reported in the literature in individuals affected with MYO5B-related conditions. ClinVar contains an entry for this variant (Variation ID: 1389696). Advanced modeling of protein sequence and biophysical properties (such as structural, functional, and spatial information, amino acid conservation, physicochemical variation, residue mobility, and thermodynamic stability) performed at Invitae indicates that this missense variant is not expected to disrupt MYO5B protein function with a negative predictive value of 80%. In summary, the available evidence is currently insufficient to determine the role of this variant in disease. Therefore, it has been classified as a Variant of Uncertain Significance.

NM_001080467.3(MYO5B):c.1240G>A (p.Gly414Ser)

Gene: MYO5B (myosin VB; minus strand). Cytogenetic location: 18q21.1.
Variant type: single nucleotide variant.
Coding change: c.1240G>A on transcript NM_001080467.3 (MANE Select); coding-DNA position 1240, G replaced by A.
Protein change: p.Gly414Ser; replaces glycine 414 with serine.
Molecular consequence: missense variant.
Genome position (GRCh38, 1-based): chr18:49,974,432, C>T on the plus strand (G>A on the coding strand, the complement: MYO5B is on the minus strand). VCF-style: chr18-49974432-C-T. GRCh37 (hg19) VCF-style: chr18-47500802-C-T.
Other names: short protein forms G414S.
Identifiers: ClinVar variation 1389696 (VCV001389696.6), dbSNP rs200773306, ClinGen allele CA8961600.